The following is an entry in ClinVar:

NM_003839.4(TNFRSF11A):c.1312C>G (p.Pro438Ala)

Gene: TNFRSF11A (TNF receptor superfamily member 11a; plus strand). Cytogenetic location: 18q21.33.
Variant type: single nucleotide variant.
Coding change: c.1312C>G on transcript NM_003839.4 (MANE Select); coding-DNA position 1312, C replaced by G.
Protein change: p.Pro438Ala; replaces proline 438 with alanine.
Molecular consequence: missense variant. On other transcripts: intron variant (3).
Genome position (GRCh38, 1-based): chr18:62,369,229, C>G. VCF-style: chr18-62369229-C-G. GRCh37 (hg19) VCF-style: chr18-60036462-C-G.
Other names: c.1270C>G, p.Pro424Ala (NM_001278268.2); c.783+2469C>G (NM_001270949.2); c.730+7436C>G (NM_001270950.2); c.616+9180C>G (NM_001270951.2); short protein forms P424A, P438A.
Identifiers: ClinVar variation 2823265 (VCV002823265.3), dbSNP rs2511593430, ClinGen allele CA402617714.

ClinVar aggregate classification (germline): Uncertain significance (1 of 4 stars; one submission).

Submission:

Labcorp Genetics (formerly Invitae), Labcorp
Classification: Uncertain significance. Last evaluated: 2022-12-22. Review status: criteria provided, single submitter. Criteria: Invitae Variant Classification Sherloc (09022015). Collection method: clinical testing. Allele origin: germline.
Comment: In summary, the available evidence is currently insufficient to determine the role of this variant in disease. Therefore, it has been classified as a Variant of Uncertain Significance. Algorithms developed to predict the effect of missense changes on protein structure and function (SIFT, PolyPhen-2, Align-GVGD) all suggest that this variant is likely to be tolerated. This variant has not been reported in the literature in individuals affected with TNFRSF11A-related conditions. This variant is not present in population databases (gnomAD no frequency). This sequence change replaces proline, which is neutral and non-polar, with alanine, which is neutral and non-polar, at codon 438 of the TNFRSF11A protein (p.Pro438Ala).